The following is an entry in ClinVar:

NM_004565.3(PEX14):c.861G>A (p.Thr287=)

Gene: PEX14 (peroxisomal biogenesis factor 14; plus strand). Cytogenetic location: 1p36.22.
Variant type: single nucleotide variant.
Coding change: c.861G>A on transcript NM_004565.3 (MANE Select); coding-DNA position 861, G replaced by A.
Protein change: p.Thr287=; no amino-acid change (threonine 287 retained).
Molecular consequence: synonymous variant.
Genome position (GRCh38, 1-based): chr1:10,629,714, G>A. VCF-style: chr1-10629714-G-A. GRCh37 (hg19) VCF-style: chr1-10689771-G-A.
Other names: c.861G>A (NM_004565.2).
Identifiers: ClinVar variation 1107487 (VCV001107487.12), dbSNP rs371329619, ClinGen allele CA416034550.

ClinVar aggregate classification (germline): Likely benign. Review status: criteria provided, multiple submitters, no conflicts (2 of 4 stars). 3 submissions from 3 submitters: Likely benign (3). Last evaluated 2025-09-27.

Conditions:
PEX14-related disorder. Also called: PEX14-related condition.
Peroxisome biogenesis disorder, complementation group K (CGK). Identifiers: MedGen C1866257, MONDO:0800365.

gnomAD v4.1: 15 of 1,607,508 alleles (0.00093%); highest among the groups gnomAD compares: South Asian, 0.0044%; no homozygotes.

Submissions (3):

Labcorp Genetics (formerly Invitae), Labcorp
Classification: Likely benign for Peroxisome biogenesis disorder, complementation group K. Last evaluated: 2025-09-27. Review status: criteria provided, single submitter. Criteria: Invitae Variant Classification Sherloc (09022015). Collection method: clinical testing. Allele origin: germline.

PreventionGenetics, part of Exact Sciences
Classification: Likely benign for PEX14-related condition. Last evaluated: 2024-10-25. Review status: criteria provided, single submitter. Criteria: ACMG Guidelines, 2015. Collection method: clinical testing. Allele origin: germline.
Comment: This variant is classified as likely benign based on ACMG/AMP sequence variant interpretation guidelines (Richards et al. 2015 PMID: 25741868, with internal and published modifications).

Blueprint Genetics
Classification: Likely benign. Last evaluated: 2024-01-10. Review status: criteria provided, single submitter. Criteria: ACMG Guidelines, 2015. Collection method: clinical testing. Allele origin: germline.